The following is an entry in ClinVar:

ClinVar aggregate classification (germline): Conflicting classifications of pathogenicity. Review status: criteria provided, conflicting classifications (1 of 4 stars). 2 submissions from 2 submitters: Uncertain significance (1); Likely benign (1). Last evaluated 2025-05-23.

Conditions:
Hereditary cancer-predisposing syndrome. Also called: Hereditary neoplastic syndrome; Tumor predisposition; Neoplastic Syndromes, Hereditary; Hereditary Cancer Syndrome. Identifiers: Orphanet 140162, MedGen C0027672, MeSH D009386, MONDO:0015356.
Tuberous sclerosis 1 (TSC1). Identifiers: Orphanet 805, MedGen C1854465, MONDO:0008612, OMIM 191100.

Allele frequency attached by ClinVar (database versions not stated): gnomAD exomes below 0.00001.

Submissions (2):

Ambry Genetics
Classification: Uncertain significance for Hereditary cancer-predisposing syndrome. Last evaluated: 2025-05-23. Review status: criteria provided, single submitter. Criteria: Ambry Variant Classification Scheme 2023. Collection method: clinical testing. Allele origin: germline.
Comment: The p.I962V variant (also known as c.2884A>G), located in coding exon 20 of the TSC1 gene, results from an A to G substitution at nucleotide position 2884. The isoleucine at codon 962 is replaced by valine, an amino acid with highly similar properties. This amino acid position is well conserved in available vertebrate species. In addition, this alteration is predicted to be tolerated by in silico analysis. Based on the available evidence, the clinical significance of this variant remains unclear.

Labcorp Genetics (formerly Invitae), Labcorp
Classification: Likely benign for Tuberous sclerosis 1. Last evaluated: 2024-12-02. Review status: criteria provided, single submitter. Criteria: Invitae Variant Classification Sherloc (09022015). Collection method: clinical testing. Allele origin: germline.

NM_000368.5(TSC1):c.2884A>G (p.Ile962Val)

Gene: TSC1 (TSC complex subunit 1; minus strand). Cytogenetic location: 9q34.13.
Variant type: single nucleotide variant.
Coding change: c.2884A>G on transcript NM_000368.5 (MANE Select); coding-DNA position 2884, A replaced by G.
Protein change: p.Ile962Val; replaces isoleucine 962 with valine.
Molecular consequence: missense variant.
Genome position (GRCh38, 1-based): chr9:132,897,275, T>C on the plus strand (A>G on the coding strand, the complement: TSC1 is on the minus strand). VCF-style: chr9-132897275-T-C. GRCh37 (hg19) VCF-style: chr9-135772662-T-C.
Other names: c.2881A>G, p.Ile961Val (NM_001162426.2); c.2731A>G, p.Ile911Val (NM_001162427.2); c.2521A>G, p.Ile841Val (NM_001362177.2); short protein forms I841V, I911V, I961V, I962V.
Identifiers: ClinVar variation 959389 (VCV000959389.12), dbSNP rs1227198324, ClinGen allele CA375368791.